The following is an entry in ClinVar:

NM_001366385.1(CARD14):c.1961T>A (p.Val654Glu)

Genes: CARD14 (caspase recruitment domain family member 14; plus strand), SGSH (N-sulfoglucosamine sulfohydrolase; minus strand). Cytogenetic location: 17q25.3.
Variant type: single nucleotide variant.
Coding change: c.1961T>A on transcript NM_001366385.1 (MANE Select); coding-DNA position 1961, T replaced by A.
Protein change: p.Val654Glu; replaces valine 654 with glutamic acid.
Molecular consequence: missense variant. On other transcripts: non-coding transcript variant (1).
Genome position (GRCh38, 1-based): chr17:80,201,853, T>A. VCF-style: chr17-80201853-T-A. GRCh37 (hg19) VCF-style: chr17-78175652-T-A.
Other names: c.1961T>A, p.Val654Glu (NM_001257970.1, NM_024110.4); short protein forms V654E.
Identifiers: ClinVar variation 5040354 (VCV005040354.1).

ClinVar aggregate classification (germline): Uncertain significance (1 of 4 stars; one submission).

Submission:

CeGaT Center for Human Genetics Tuebingen
Classification: Uncertain significance. Last evaluated: 2026-08-01. Review status: criteria provided, single submitter. Criteria: CeGaT Center For Human Genetics Tuebingen Variant Classification Criteria Version 2. Collection method: clinical testing. Allele origin: germline. Affected: yes. Observed: 1 variant allele.
Comment: CARD14: PM2